The following is an entry in ClinVar:

ClinVar aggregate classification (germline): Pathogenic (1 of 4 stars; one submission).

Conditions:
Severe combined immunodeficiency disease. Also called: Severe Combined Immune Deficiency; Severe combined immunodeficiency. Identifiers: Orphanet 183660, MedGen C0085110, MeSH D016511, MONDO:0015974, HP:0004430. Inheritance: X-Linked or Autosomal recessive.

Submission:

Women's Health and Genetics/Laboratory Corporation of America, LabCorp
Classification: Pathogenic for Severe combined immunodeficiency disease. Last evaluated: 2025-01-28. Review status: criteria provided, single submitter. Criteria: LabCorp Variant Classification Summary - May 2015. Collection method: clinical testing. Allele origin: germline.
Comment: Variant summary: DOCK8 c.643C>T (p.Gln215X) results in a premature termination codon, predicted to cause a truncation of the encoded protein or absence of the protein due to nonsense mediated decay, which are commonly known mechanisms for disease. The variant was absent in 251414 control chromosomes (gnomAD). To our knowledge, no occurrence of c.643C>T in individuals affected with Severe Combined Immunodeficiency and no experimental evidence demonstrating its impact on protein function have been reported. No submitters have cited clinical-significance assessments for this variant to ClinVar. Based on the evidence outlined above, the variant was classified as pathogenic.

NM_203447.4(DOCK8):c.643C>T (p.Gln215Ter)

Gene: DOCK8 (dedicator of cytokinesis 8; plus strand). Cytogenetic location: 9p24.3.
Variant type: single nucleotide variant.
Coding change: c.643C>T on transcript NM_203447.4 (MANE Select); coding-DNA position 643, C replaced by T.
Protein change: p.Gln215Ter; replaces glutamine 215 with a stop codon.
Molecular consequence: nonsense.
Genome position (GRCh38, 1-based): chr9:312,068, C>T. VCF-style: chr9-312068-C-T. GRCh37 (hg19) VCF-style: chr9-312068-C-T.
Other names: c.439C>T, p.Gln147Ter (NM_001190458.2, NM_001193536.2); short protein forms Q147*, Q215*.
Identifiers: ClinVar variation 3769377 (VCV003769377.2).